The following is an entry in ClinVar:

ClinVar aggregate classification (germline): Uncertain significance (1 of 4 stars; one submission).

gnomAD v4.1: 2 of 1,469,564 alleles (0.00014%); highest among the groups gnomAD compares: African/African-American, 0.0015%; no homozygotes.

Submission:

Labcorp Genetics (formerly Invitae), Labcorp
Classification: Uncertain significance. Last evaluated: 2024-09-03. Review status: criteria provided, single submitter. Criteria: Invitae Variant Classification Sherloc (09022015). Collection method: clinical testing. Allele origin: germline.
Comment: This sequence change replaces proline, which is neutral and non-polar, with leucine, which is neutral and non-polar, at codon 129 of the LEMD3 protein (p.Pro129Leu). This variant is not present in population databases (gnomAD no frequency). This variant has not been reported in the literature in individuals affected with LEMD3-related conditions. Invitae Evidence Modeling of protein sequence and biophysical properties (such as structural, functional, and spatial information, amino acid conservation, physicochemical variation, residue mobility, and thermodynamic stability) indicates that this missense variant is not expected to disrupt LEMD3 protein function with a negative predictive value of 80%. In summary, the available evidence is currently insufficient to determine the role of this variant in disease. Therefore, it has been classified as a Variant of Uncertain Significance.

NM_014319.5(LEMD3):c.386C>T (p.Pro129Leu)

Genes: LEMD3 (LEM domain containing 3; plus strand), LOC130008224 (ATAC-STARR-seq lymphoblastoid silent region 4630; plus strand). Cytogenetic location: 12q14.3.
Variant type: single nucleotide variant.
Coding change: c.386C>T on transcript NM_014319.5 (MANE Select); coding-DNA position 386, C replaced by T.
Protein change: p.Pro129Leu; replaces proline 129 with leucine.
Molecular consequence: missense variant.
Genome position (GRCh38, 1-based): chr12:65,169,982, C>T. VCF-style: chr12-65169982-C-T. GRCh37 (hg19) VCF-style: chr12-65563762-C-T.
Other names: c.386C>T, p.Pro129Leu (NM_001167614.2); short protein forms P129L.
Identifiers: ClinVar variation 3708296 (VCV003708296.2).